The following is an entry in ClinVar:

ClinVar aggregate classification (germline): Uncertain significance (1 of 4 stars; one submission).

Submission:

GeneDx
Classification: Uncertain significance. Last evaluated: 2025-06-10. Review status: criteria provided, single submitter. Criteria: GeneDx Variant Classification Process June 2021. Collection method: clinical testing. Allele origin: germline. Affected: yes.
Comment: Not observed at significant frequency in large population cohorts (gnomAD); In silico analysis supports that this missense variant has a deleterious effect on protein structure/function; Has not been previously published as pathogenic or benign to our knowledge; Not located in one of the three hot-spot regions of the RYR2 gene, where the majority of pathogenic missense variants occur; This variant is associated with the following publications: (PMID: 19926015)

NM_001035.3(RYR2):c.3533A>G (p.Asn1178Ser)

Gene: RYR2 (ryanodine receptor 2; plus strand). Cytogenetic location: 1q43.
Variant type: single nucleotide variant.
Coding change: c.3533A>G on transcript NM_001035.3 (MANE Select); coding-DNA position 3533, A replaced by G.
Protein change: p.Asn1178Ser; replaces asparagine 1178 with serine.
Molecular consequence: missense variant.
Genome position (GRCh38, 1-based): chr1:237,569,254, A>G. VCF-style: chr1-237569254-A-G. GRCh37 (hg19) VCF-style: chr1-237732554-A-G.
Other names: short protein forms N1178S.
Identifiers: ClinVar variation 4537915 (VCV004537915.1).